The following is an entry in ClinVar:

ClinVar aggregate classification (germline): Uncertain significance (1 of 4 stars; one submission).

Conditions:
MCCC2-related disorder. Also called: MCCC2-related condition.

gnomAD v4.1: 1 of 1,614,190 alleles (0.000062%); no homozygotes.

Submission:

PreventionGenetics, part of Exact Sciences
Classification: Uncertain significance for MCCC2-related condition. Last evaluated: 2025-06-03. Review status: criteria provided, single submitter. Criteria: ACMG Guidelines, 2015. Collection method: clinical testing. Allele origin: germline.
Comment: The MCCC2 c.1094A>T variant is predicted to result in the amino acid substitution p.Tyr365Phe. To our knowledge, this variant has not been reported in the literature or in a large population database, indicating this variant is rare. At this time, the clinical significance of this variant is uncertain due to the absence of conclusive functional and genetic evidence.

NM_022132.5(MCCC2):c.1094A>T (p.Tyr365Phe)

Gene: MCCC2 (methylcrotonyl-CoA carboxylase subunit 2; plus strand). Cytogenetic location: 5q13.2.
Variant type: single nucleotide variant.
Coding change: c.1094A>T on transcript NM_022132.5 (MANE Select); coding-DNA position 1094, A replaced by T.
Protein change: p.Tyr365Phe; replaces tyrosine 365 with phenylalanine.
Molecular consequence: missense variant.
Genome position (GRCh38, 1-based): chr5:71,643,840, A>T. VCF-style: chr5-71643840-A-T. GRCh37 (hg19) VCF-style: chr5-70939667-A-T.
Other names: c.980A>T, p.Tyr327Phe (NM_001363147.1); short protein forms Y327F, Y365F.
Identifiers: ClinVar variation 3057274 (VCV003057274.3), dbSNP rs951972469, ClinGen allele CA119999657.